The following is an entry in ClinVar:

ClinVar aggregate classification (germline): Uncertain significance (1 of 4 stars; one submission).

Submission:

Ambry Genetics
Classification: Uncertain significance. Last evaluated: 2026-06-25. Review status: criteria provided, single submitter. Criteria: Ambry Variant Classification Scheme 2023. Collection method: clinical testing. Allele origin: germline.
Comment: The p.L1137M variant (also known as c.3409C>A), located in coding exon 13 of the CDK12 gene, results from a C to A substitution at nucleotide position 3409. The leucine at codon 1137 is replaced by methionine, an amino acid with highly similar properties. This amino acid position is conserved. In addition, this alteration is predicted to be tolerated by in silico analysis. Based on the available evidence, the clinical significance of this variant remains unclear.

NM_016507.4(CDK12):c.3409C>A (p.Leu1137Met)

Gene: CDK12 (cyclin dependent kinase 12; plus strand). Cytogenetic location: 17q12.
Variant type: single nucleotide variant.
Coding change: c.3409C>A on transcript NM_016507.4 (MANE Select); coding-DNA position 3409, C replaced by A.
Protein change: p.Leu1137Met; replaces leucine 1137 with methionine.
Molecular consequence: missense variant.
Genome position (GRCh38, 1-based): chr17:39,525,965, C>A. VCF-style: chr17-39525965-C-A. GRCh37 (hg19) VCF-style: chr17-37682218-C-A.
Other names: c.3409C>A, p.Leu1137Met (NM_015083.4); short protein forms L1137M.
Identifiers: ClinVar variation 5034065 (VCV005034065.1).
Genomic context (GRCh38, chr17:39,525,965, plus strand): 5'-GCAGTGTTATTAAACCTGCTGCAGAGCCAAACCGACCTGAGCATCCCTCAAATGGCACAG[C>A]TGCTTAACATCCACTCCAACCCAGAGATGCAGCAGCAGCTGGAAGCCCTGAACCAATCCA-3'
Protein context (NP_057591.2, residues 1127-1147): TDLSIPQMAQ[Leu1137Met]LNIHSNPEMQ